The following is an entry in ClinVar:

NM_004612.4(TGFBR1):c.1048G>A (p.Ala350Thr)

Gene: TGFBR1 (transforming growth factor beta receptor 1; plus strand). Cytogenetic location: 9q22.33.
Variant type: single nucleotide variant.
Coding change: c.1048G>A on transcript NM_004612.4 (MANE Select); coding-DNA position 1048, G replaced by A.
Protein change: p.Ala350Thr; replaces alanine 350 with threonine.
Molecular consequence: missense variant. On other transcripts: non-coding transcript variant (4).
Genome position (GRCh38, 1-based): chr9:99,144,806, G>A. VCF-style: chr9-99144806-G-A. GRCh37 (hg19) VCF-style: chr9-101907088-G-A.
Other names: c.817G>A, p.Ala273Thr (NM_001130916.3, NM_001407435.1); c.1060G>A, p.Ala354Thr (NM_001306210.2); c.892G>A, p.Ala298Thr (NM_001407416.1); c.880G>A, p.Ala294Thr (NM_001407417.1); c.853G>A, p.Ala285Thr (NM_001407418.1, NM_001407419.1, NM_001407420.1 and 1 more transcripts); c.841G>A, p.Ala281Thr (NM_001407423.1, NM_001407424.1, NM_001407425.1 and 8 more transcripts); c.802G>A, p.Ala268Thr (NM_001407436.1); c.340G>A, p.Ala114Thr (NM_001407437.1); and 1 more; short protein forms A285T, A294T, A298T, A273T, A354T, A191T, A268T, A281T.
Identifiers: ClinVar variation 3648975 (VCV003648975.2).

ClinVar aggregate classification (germline): Uncertain significance (1 of 4 stars; one submission).

Conditions:
Familial thoracic aortic aneurysm and aortic dissection (TAAD). Also called: Thoracic aortic aneurysms and dissections. Identifiers: Orphanet 91387, MedGen C4707243, MONDO:0019625.

Submission:

Labcorp Genetics (formerly Invitae), Labcorp
Classification: Uncertain significance for Familial thoracic aortic aneurysm and aortic dissection. Last evaluated: 2024-04-06. Review status: criteria provided, single submitter. Criteria: Invitae Variant Classification Sherloc (09022015). Collection method: clinical testing. Allele origin: germline.
Comment: This sequence change replaces alanine, which is neutral and non-polar, with threonine, which is neutral and polar, at codon 350 of the TGFBR1 protein (p.Ala350Thr). This variant is not present in population databases (gnomAD no frequency). This variant has not been reported in the literature in individuals affected with TGFBR1-related conditions. Advanced modeling of protein sequence and biophysical properties (such as structural, functional, and spatial information, amino acid conservation, physicochemical variation, residue mobility, and thermodynamic stability) performed at Invitae indicates that this missense variant is expected to disrupt TGFBR1 protein function with a positive predictive value of 80%. In summary, the available evidence is currently insufficient to determine the role of this variant in disease. Therefore, it has been classified as a Variant of Uncertain Significance.